The following is an entry in ClinVar:

ClinVar aggregate classification (germline): Pathogenic. Review status: criteria provided, multiple submitters, no conflicts (2 of 4 stars). 3 submissions from 3 submitters: Pathogenic (2). 1 of the submissions does not count toward it. Last evaluated 2022-08-05.

Conditions:
Spastic paraplegia. Identifiers: MedGen C0037772, HP:0001258.
Hereditary spastic paraplegia 15 (SPG15). Also called: KJELLIN SYNDROME; SPASTIC PARAPLEGIA 15, AUTOSOMAL RECESSIVE; SPASTIC PARAPLEGIA AND RETINAL DEGENERATION. Identifiers: Orphanet 100996, MedGen C1849128, MONDO:0010044, OMIM 270700.

Allele frequency attached by ClinVar (database versions not stated): gnomAD exomes below 0.00001.
gnomAD v4.1: 1 of 1,612,846 alleles (0.000062%); highest among the groups gnomAD compares: South Asian, 0.0011%; no homozygotes.

Submissions (3):

Labcorp Genetics (formerly Invitae), Labcorp
Classification: Pathogenic for Spastic paraplegia. Last evaluated: 2022-08-05. Review status: criteria provided, single submitter. Criteria: Invitae Variant Classification Sherloc (09022015). Collection method: clinical testing. Allele origin: germline.
Comment: For these reasons, this variant has been classified as Pathogenic. Algorithms developed to predict the effect of sequence changes on RNA splicing suggest that this variant may disrupt the consensus splice site. ClinVar contains an entry for this variant (Variation ID: 30933). This premature translational stop signal has been observed in individual(s) with clinical features of hereditary spastic paraplegia (PMID: 19805727). The frequency data for this variant in the population databases is considered unreliable, as metrics indicate poor data quality at this position in the gnomAD database. This sequence change creates a premature translational stop signal (p.Gln1808*) in the ZFYVE26 gene. It is expected to result in an absent or disrupted protein product. Loss-of-function variants in ZFYVE26 are known to be pathogenic (PMID: 18394578, 19805727).

Paris Brain Institute, Inserm - ICM
Classification: Pathogenic for Hereditary spastic paraplegia 15. Review status: criteria provided, single submitter. Criteria: ACMG Guidelines, 2015. Collection method: clinical testing. Allele origin: unknown. Affected: yes. Observed: 2 variant alleles.

OMIM
Classification: Pathogenic for SPASTIC PARAPLEGIA 15, AUTOSOMAL RECESSIVE. Last evaluated: 2009-10-06. Review status: no assertion criteria provided. Collection method: literature only. Allele origin: germline. Not counted in ClinVar's aggregate classification.

Literature cited by the submitters: PubMed 19805727 (cited by Labcorp Genetics (formerly Invitae), Labcorp and OMIM); PubMed 18394578 (cited by Labcorp Genetics (formerly Invitae), Labcorp).

NM_015346.4(ZFYVE26):c.5422C>T (p.Gln1808Ter)

Gene: ZFYVE26 (zinc finger FYVE-type containing 26; minus strand). Cytogenetic location: 14q24.1.
Variant type: single nucleotide variant.
Coding change: c.5422C>T on transcript NM_015346.4 (MANE Select); coding-DNA position 5422, C replaced by T.
Protein change: p.Gln1808Ter; replaces glutamine 1808 with a stop codon.
Molecular consequence: nonsense.
Genome position (GRCh38, 1-based): chr14:67,772,109, G>A on the plus strand (C>T on the coding strand, the complement: ZFYVE26 is on the minus strand). VCF-style: chr14-67772109-G-A. GRCh37 (hg19) VCF-style: chr14-68238826-G-A.
Other names: short protein forms Q1808*.
Identifiers: ClinVar variation 30933 (VCV000030933.9), dbSNP rs387907057, ClinGen allele CA129542.